The following is an entry in ClinVar:

ClinVar aggregate classification (germline): Uncertain significance (1 of 4 stars; one submission).

Allele frequency attached by ClinVar (database versions not stated): TOPMed 0.00002.
gnomAD v4.1: 13 of 1,550,646 alleles (0.00084%); highest among the groups gnomAD compares: Non-Finnish European, 0.00087%; no homozygotes.

Submission:

Labcorp Genetics (formerly Invitae), Labcorp
Classification: Uncertain significance. Last evaluated: 2022-10-17. Review status: criteria provided, single submitter. Criteria: Invitae Variant Classification Sherloc (09022015). Collection method: clinical testing. Allele origin: germline.
Comment: This sequence change replaces arginine, which is basic and polar, with cysteine, which is neutral and slightly polar, at codon 115 of the TONSL protein (p.Arg115Cys). This variant is not present in population databases (gnomAD no frequency). This variant has not been reported in the literature in individuals affected with TONSL-related conditions. ClinVar contains an entry for this variant (Variation ID: 1494298). Advanced modeling of protein sequence and biophysical properties (such as structural, functional, and spatial information, amino acid conservation, physicochemical variation, residue mobility, and thermodynamic stability) performed at Invitae indicates that this missense variant is expected to disrupt TONSL protein function. In summary, the available evidence is currently insufficient to determine the role of this variant in disease. Therefore, it has been classified as a Variant of Uncertain Significance.

NM_013432.5(TONSL):c.343C>T (p.Arg115Cys)

Gene: TONSL (tonsoku like, DNA repair protein; minus strand). Cytogenetic location: 8q24.3.
Variant type: single nucleotide variant.
Coding change: c.343C>T on transcript NM_013432.5 (MANE Select); coding-DNA position 343, C replaced by T.
Protein change: p.Arg115Cys; replaces arginine 115 with cysteine.
Molecular consequence: missense variant.
Genome position (GRCh38, 1-based): chr8:144,443,243, G>A on the plus strand (C>T on the coding strand, the complement: TONSL is on the minus strand). VCF-style: chr8-144443243-G-A. GRCh37 (hg19) VCF-style: chr8-145668626-G-A.
Other names: short protein forms R115C.
Identifiers: ClinVar variation 1494298 (VCV001494298.6), dbSNP rs772412628, ClinGen allele CA372679127.